The following is an entry in ClinVar:

NM_006245.4(PPP2R5D):c.574G>A (p.Ala192Thr)

Gene: PPP2R5D (protein phosphatase 2 regulatory subunit B'delta; plus strand). Cytogenetic location: 6p21.1.
Variant type: single nucleotide variant.
Coding change: c.574G>A on transcript NM_006245.4 (MANE Select); coding-DNA position 574, G replaced by A.
Protein change: p.Ala192Thr; replaces alanine 192 with threonine.
Molecular consequence: missense variant.
Genome position (GRCh38, 1-based): chr6:43,007,247, G>A. VCF-style: chr6-43007247-G-A. GRCh37 (hg19) VCF-style: chr6-42974985-G-A.
Other names: c.121G>A, p.Ala41Thr (NM_001270476.2); c.478G>A, p.Ala160Thr (NM_180976.3); c.256G>A, p.Ala86Thr (NM_180977.3); short protein forms A160T, A41T, A86T, A192T.
Identifiers: ClinVar variation 2692704 (VCV002692704.3), dbSNP rs2532475251, ClinGen allele CA364184963.

ClinVar aggregate classification (germline): Uncertain significance (1 of 4 stars; one submission).

Submission:

Labcorp Genetics (formerly Invitae), Labcorp
Classification: Uncertain significance. Last evaluated: 2023-11-02. Review status: criteria provided, single submitter. Criteria: Invitae Variant Classification Sherloc (09022015). Collection method: clinical testing. Allele origin: germline.
Comment: This sequence change replaces alanine, which is neutral and non-polar, with threonine, which is neutral and polar, at codon 192 of the PPP2R5D protein (p.Ala192Thr). This variant is not present in population databases (gnomAD no frequency). This variant has not been reported in the literature in individuals affected with PPP2R5D-related conditions. An algorithm developed to predict the effect of missense changes on protein structure and function (PolyPhen-2) suggests that this variant is likely to be disruptive. In summary, the available evidence is currently insufficient to determine the role of this variant in disease. Therefore, it has been classified as a Variant of Uncertain Significance.